The following is an entry in ClinVar:

ClinVar aggregate classification (germline): Benign (1 of 4 stars; one submission).

Submission:

Laboratory for Molecular Medicine, Mass General Brigham Personalized Medicine
Classification: Benign. Last evaluated: 2012-04-27. Review status: criteria provided, single submitter. Criteria: LMM Criteria. Collection method: clinical testing. Allele origin: germline. Observed: 3 variant alleles.
Comment: m.1119T>C in MTRNR1: This variant is not expected to have clinical significance because it has never been associated to hearing loss even though extensive study of this gene in hearing loss cases throughout the world and has been identified with similar frequencies among HL patients and controls (~1 - 5%) (Bae 2008, M utai 2011,Konings 2008, Lu 2010, Shen 2011). Also, this variant is common polymo rphism in phylogeny studies and belongs to one of the mitochondrial haplogroup s pecific variant (Kong 2006, Shen 2011). In addition, this variant is reported co mmonly in other general populations (LOVD database; mtDB; HmtDB). Moreover, this region of mitochondrial DNA is not evolutionarily conserved (Lu 2010).

Literature cited by the submitters: PubMed 18636170; PubMed 16714301; PubMed 20100600; PubMed 21989059; PubMed 21205314; PubMed 18545700; PubMed 17341440.

NC_012920.1(MT-RNR1):m.1119T>C

Gene: MT-RNR1 (mitochondrially encoded 12S RNA; plus strand).
Variant type: single nucleotide variant.
Genome position: chrM-1119-T-C.
Identifiers: ClinVar variation 42209 (VCV000042209.4), dbSNP rs397515724, ClinGen allele CA130996.